The following is an entry in ClinVar:

ClinVar aggregate classification (germline): Uncertain significance (1 of 4 stars; one submission).

gnomAD v4.1: 20 of 1,613,992 alleles (0.0012%); highest among the groups gnomAD compares: East Asian, 0.0022%; no homozygotes.

Submission:

Labcorp Genetics (formerly Invitae), Labcorp
Classification: Uncertain significance. Last evaluated: 2025-12-13. Review status: criteria provided, single submitter. Criteria: Invitae Variant Classification Sherloc (09022015). Collection method: clinical testing. Allele origin: germline.
Comment: This sequence change replaces arginine, which is basic and polar, with tryptophan, which is neutral and slightly polar, at codon 513 of the WNK4 protein (p.Arg513Trp). This variant is present in population databases (rs758845858, gnomAD 0.005%). This variant has not been reported in the literature in individuals affected with WNK4-related conditions. Invitae Evidence Modeling of protein sequence and biophysical properties (such as structural, functional, and spatial information, amino acid conservation, physicochemical variation, residue mobility, and thermodynamic stability) indicates that this missense variant is not expected to disrupt WNK4 protein function with a negative predictive value of 95%. In summary, the available evidence is currently insufficient to determine the role of this variant in disease. Therefore, it has been classified as a Variant of Uncertain Significance.

NM_032387.5(WNK4):c.1537C>T (p.Arg513Trp)

Gene: WNK4 (WNK lysine deficient protein kinase 4; plus strand). Cytogenetic location: 17q21.2.
Variant type: single nucleotide variant.
Coding change: c.1537C>T on transcript NM_032387.5 (MANE Select); coding-DNA position 1537, C replaced by T.
Protein change: p.Arg513Trp; replaces arginine 513 with tryptophan.
Molecular consequence: missense variant.
Genome position (GRCh38, 1-based): chr17:42,787,338, C>T. VCF-style: chr17-42787338-C-T. GRCh37 (hg19) VCF-style: chr17-40939356-C-T.
Other names: c.529C>T, p.Arg177Trp (NM_001321299.2); short protein forms R177W, R513W.
Identifiers: ClinVar variation 4751345 (VCV004751345.1).